The following is an entry in ClinVar:

ClinVar aggregate classification (germline): Uncertain significance (1 of 4 stars; one submission).

Conditions:
Fraser syndrome 1 (FRASRS1). Also called: CRYPTOPHTHALMOS WITH OTHER MALFORMATIONS. Identifiers: Orphanet 2052, MedGen C4551480, MONDO:0054737, OMIM 219000.

gnomAD v4.1: 1 of 1,553,290 alleles (0.000064%); highest among the groups gnomAD compares: East Asian, 0.0023%; no homozygotes.

Submission:

Juno Genomics, Hangzhou Juno Genomics, Inc
Classification: Uncertain significance for Fraser syndrome 1. Review status: criteria provided, single submitter. Criteria: ACMG Guidelines, 2015. Collection method: clinical testing. Allele origin: germline.
Comment: Absent from controls (or at extremely low frequency if recessive) in Genome Aggregation Database.;Multiple lines of computational evidence support a deleterious effect on the gene or gene product.

NM_025074.7(FRAS1):c.3151+4A>G

Gene: FRAS1 (Fraser extracellular matrix complex subunit 1; plus strand). Cytogenetic location: 4q21.21.
Variant type: single nucleotide variant.
Coding change: c.3151+4A>G on transcript NM_025074.7 (MANE Select); 4 bases into the intron after coding-DNA position 3151, A replaced by G.
Molecular consequence: intron variant.
Genome position (GRCh38, 1-based): chr4:78,374,255, A>G. VCF-style: chr4-78374255-A-G. GRCh37 (hg19) VCF-style: chr4-79295409-A-G.
Other names: c.3151+4A>G (NM_001166133.2).
Identifiers: ClinVar variation 5019294 (VCV005019294.2).